The following is an entry in ClinVar:

NM_000548.5(TSC2):c.1447G>T (p.Glu483Ter)

Gene: TSC2 (TSC complex subunit 2; plus strand). Cytogenetic location: 16p13.3.
Variant type: single nucleotide variant.
Coding change: c.1447G>T on transcript NM_000548.5 (MANE Select); coding-DNA position 1447, G replaced by T.
Protein change: p.Glu483Ter; replaces glutamic acid 483 with a stop codon.
Molecular consequence: nonsense.
Genome position (GRCh38, 1-based): chr16:2,064,275, G>T. VCF-style: chr16-2064275-G-T. GRCh37 (hg19) VCF-style: chr16-2114276-G-T.
Other names: c.1447G>T, p.Glu483Ter (NM_001077183.3, NM_001114382.3, NM_001363528.2 and 3 more transcripts); c.1336G>T, p.Glu446Ter (NM_001318827.2); c.1300G>T, p.Glu434Ter (NM_001318829.2); c.847G>T, p.Glu283Ter (NM_001318831.2); c.1480G>T, p.Glu494Ter (NM_001318832.2); short protein forms E483*, E434*, E494*, E283*, E446*.
Identifiers: ClinVar variation 64885 (VCV000064885.8), dbSNP rs397515297, ClinGen allele CA014898.

ClinVar aggregate classification (germline): Pathogenic. Review status: criteria provided, multiple submitters, no conflicts (2 of 4 stars). 4 submissions from 4 submitters: Pathogenic (3). 1 of the submissions does not count toward it. Last evaluated 2021-11-07.

Conditions:
Hereditary cancer-predisposing syndrome. Also called: Tumor predisposition; Hereditary Cancer Syndrome; Neoplastic Syndromes, Hereditary; Hereditary neoplastic syndrome. Identifiers: Orphanet 140162, MedGen C0027672, MeSH D009386, MONDO:0015356.
Tuberous sclerosis syndrome (TSC). Also called: Tuberous Sclerosis Complex; Tuberous sclerosis. Identifiers: Orphanet 805, MedGen C0041341, MONDO:0001734.
Tuberous sclerosis 2 (TSC2). Identifiers: Orphanet 805, MedGen C1860707, MONDO:0013199, OMIM 613254.

Submissions (4):

Genome-Nilou Lab
Classification: Pathogenic for Tuberous sclerosis 2. Last evaluated: 2021-11-07. Review status: criteria provided, single submitter. Criteria: ACMG Guidelines, 2015. Collection method: clinical testing. Allele origin: germline. Affected: no.

Ambry Genetics
Classification: Pathogenic for Hereditary cancer-predisposing syndrome. Last evaluated: 2015-12-28. Review status: criteria provided, single submitter. Criteria: Ambry Variant Classification Scheme 2023. Collection method: clinical testing. Allele origin: germline.
Comment: The p.E483* pathogenic mutation (also known as c.1447G>T), located in coding exon 14 of the TSC2 gene, results from a G to T substitution at nucleotide position 1447. This changes the amino acid from a glutamic acid to a stop codon within coding exon 14. This mutation has been described in an individual fulfilling definitive diagnostic criteria for tuberous sclerosis complex (Jang MA et al. Pediatr. Neurol. 2012;46(4):222-4). In addition to the clinical data presented in the literature, since premature stop codons are typically deleterious in nature, this alteration is interpreted as a disease-causing mutation (ACMG Recommendations for Standards for Interpretation and Reporting of Sequence Variations. Revision 2007. Genet Med. 2008;10:294).

Athena Diagnostics
Classification: Pathogenic for Tuberous sclerosis 2. Last evaluated: 2015-03-30. Review status: criteria provided, single submitter. Criteria: Athena Diagnostics Criteria. Collection method: clinical testing. Allele origin: germline. Inheritance: Autosomal dominant inheritance.

Tuberous sclerosis database (TSC2)
No classification provided. Condition: TSC. Review status: no classification provided. Criteria: Tuberous Sclerosis Database Assertion Criteria 2015. Collection method: curation. Allele origin: germline. Affected: yes. Not counted in ClinVar's aggregate classification.

Literature cited by the submitters: PubMed 22490766 (cited by Ambry Genetics and Athena Diagnostics).